The following is an entry in ClinVar:

NM_002207.3(ITGA9):c.609C>T (p.Thr203=)

Gene: ITGA9 (integrin subunit alpha 9; plus strand). Cytogenetic location: 3p22.2.
Variant type: single nucleotide variant.
Coding change: c.609C>T on transcript NM_002207.3 (MANE Select); coding-DNA position 609, C replaced by T.
Protein change: p.Thr203=; no amino-acid change (threonine 203 retained).
Molecular consequence: synonymous variant.
Genome position (GRCh38, 1-based): chr3:37,494,565, C>T. VCF-style: chr3-37494565-C-T. GRCh37 (hg19) VCF-style: chr3-37536056-C-T.
Identifiers: ClinVar variation 402988 (VCV000402988.5), dbSNP rs2507941, ClinGen allele CA2310472.

ClinVar aggregate classification (germline): Benign. Review status: criteria provided, multiple submitters, no conflicts (2 of 4 stars). 2 submissions from 2 submitters: Benign (2). Last evaluated 2016-03-28.

Allele frequency attached by ClinVar (database versions not stated): ESP Exome Variant Server 0.04344; 1000 Genomes Project 30x 0.04357; gnomAD 0.04452 and 0.04490; 1000 Genomes Project 0.04692; TOPMed 0.04763; ExAC 0.04858; gnomAD exomes 0.04910.
gnomAD v4.1: 88,723 of 1,611,664 alleles (5.5%); highest among the groups gnomAD compares: East Asian, 7.3%; 2,732 homozygotes.

Submissions (2):

Laboratory for Molecular Medicine, Mass General Brigham Personalized Medicine
Classification: Benign. Last evaluated: 2016-03-28. Review status: criteria provided, single submitter. Criteria: LMM Criteria. Collection method: clinical testing. Allele origin: germline.
Comment: Variant identified in a genome or exome case(s) and assessed due to predicted null impact of the variant or pathogenic assertions in the literature or databases. Disclaimer: This variant has not undergone full assessment. The following are preliminary notes: 5% of total chromosomes in ExAC

Breakthrough Genomics
Classification: Benign. Review status: criteria provided, single submitter. Criteria: ACMG Guidelines, 2015. Collection method: not provided. Allele origin: germline. Inheritance: Unknown mechanism. Affected: yes.